The following is an entry in ClinVar:

ClinVar aggregate classification (germline): Uncertain significance. Review status: criteria provided, multiple submitters, no conflicts (2 of 4 stars). 3 submissions from 3 submitters: Uncertain significance (3). Last evaluated 2024-10-14.

Allele frequency attached by ClinVar (database versions not stated): gnomAD exomes below 0.00001 and 0.00001; gnomAD 0.00001; TOPMed 0.00001.
gnomAD v4.1: 15 of 1,603,542 alleles (0.00094%); highest among the groups gnomAD compares: Non-Finnish European, 0.0013%; no homozygotes.

Submissions (3):

GeneDx
Classification: Uncertain significance. Last evaluated: 2024-10-14. Review status: criteria provided, single submitter. Criteria: GeneDx Variant Classification Process June 2021. Collection method: clinical testing. Allele origin: germline.
Comment: Not observed at significant frequency in large population cohorts (gnomAD); In silico analysis supports that this missense variant has a deleterious effect on protein structure/function; Has not been previously published as pathogenic or benign to our knowledge

Blueprint Genetics
Classification: Uncertain significance. Last evaluated: 2023-01-17. Review status: criteria provided, single submitter. Criteria: ACMG Guidelines, 2015. Collection method: clinical testing. Allele origin: germline.

Eurofins Ntd Llc (ga)
Classification: Uncertain significance. Last evaluated: 2018-04-16. Review status: criteria provided, single submitter. Criteria: EGL ClinVar v180209 classification definitions. Collection method: clinical testing. Allele origin: germline. Observed: 1 variant allele, 1 heterozygote.

NM_032119.4(ADGRV1):c.18884A>C (p.Glu6295Ala)

Gene: ADGRV1 (adhesion G protein-coupled receptor V1; plus strand). Cytogenetic location: 5q14.3.
Variant type: single nucleotide variant.
Coding change: c.18884A>C on transcript NM_032119.4 (MANE Select); coding-DNA position 18884, A replaced by C.
Protein change: p.Glu6295Ala; replaces glutamic acid 6295 with alanine.
Molecular consequence: missense variant. On other transcripts: non-coding transcript variant (1).
Genome position (GRCh38, 1-based): chr5:91,163,863, A>C. VCF-style: chr5-91163863-A-C. GRCh37 (hg19) VCF-style: chr5-90459680-A-C.
Other names: c.18884A>C (NM_032119.3); short protein forms E6295A.
Identifiers: ClinVar variation 596718 (VCV000596718.7), dbSNP rs1019787284, ClinGen allele CA123053791.